The following is an entry in ClinVar:

NM_001287.6(CLCN7):c.198T>G (p.Asp66Glu)

Gene: CLCN7 (chloride voltage-gated channel 7; minus strand). Cytogenetic location: 16p13.3.
Variant type: single nucleotide variant.
Coding change: c.198T>G on transcript NM_001287.6 (MANE Select); coding-DNA position 198, T replaced by G.
Protein change: p.Asp66Glu; replaces aspartic acid 66 with glutamic acid.
Molecular consequence: missense variant. On other transcripts: intron variant (1).
Genome position (GRCh38, 1-based): chr16:1,465,282, A>C on the plus strand (T>G on the coding strand, the complement: CLCN7 is on the minus strand). VCF-style: chr16-1465282-A-C. GRCh37 (hg19) VCF-style: chr16-1515283-A-C.
Other names: c.142-3608T>G (NM_001114331.3); short protein forms D66E.
Identifiers: ClinVar variation 3624074 (VCV003624074.2).

ClinVar aggregate classification (germline): Uncertain significance (1 of 4 stars; one submission).

gnomAD v4.1: 7 of 1,613,734 alleles (0.00043%); highest among the groups gnomAD compares: South Asian, 0.0022%; no homozygotes.

Submission:

Labcorp Genetics (formerly Invitae), Labcorp
Classification: Uncertain significance. Last evaluated: 2025-01-14. Review status: criteria provided, single submitter. Criteria: Invitae Variant Classification Sherloc (09022015). Collection method: clinical testing. Allele origin: germline.
Comment: This sequence change replaces aspartic acid, which is acidic and polar, with glutamic acid, which is acidic and polar, at codon 66 of the CLCN7 protein (p.Asp66Glu). This variant is present in population databases (rs757699034, gnomAD 0.003%). This variant has not been reported in the literature in individuals affected with CLCN7-related conditions. Invitae Evidence Modeling of protein sequence and biophysical properties (such as structural, functional, and spatial information, amino acid conservation, physicochemical variation, residue mobility, and thermodynamic stability) indicates that this missense variant is not expected to disrupt CLCN7 protein function with a negative predictive value of 95%. In summary, the available evidence is currently insufficient to determine the role of this variant in disease. Therefore, it has been classified as a Variant of Uncertain Significance.